The following is an entry in ClinVar:

ClinVar aggregate classification (germline): Benign/Likely benign. Review status: criteria provided, multiple submitters, no conflicts (2 of 4 stars). 5 submissions from 5 submitters: Benign (1); Likely benign (4). Last evaluated 2026-02-03.

Conditions:
Hereditary sensory neuropathy-deafness-dementia syndrome. Also called: HSN IE; Hereditary sensory neuropathy type IE; Hereditary Sensory and Autonomic Neuropathy Type 1E (HSAN1E); NEUROPATHY, HEREDITARY SENSORY, WITH HEARING LOSS AND DEMENTIA. Identifiers: Orphanet 456318, MedGen C3279885, MONDO:0013584, OMIM 614116.

Allele frequency attached by ClinVar (database versions not stated): gnomAD 0.00022 and 0.00023; 1000 Genomes Project 30x 0.00031; ExAC 0.00031; gnomAD exomes 0.00035 and 0.00067; TOPMed 0.00038; ESP Exome Variant Server 0.00054.
gnomAD v4.1: 972 of 1,568,620 alleles (0.062%); highest among the groups gnomAD compares: Non-Finnish European, 0.079%; no homozygotes.

Submissions (5):

Labcorp Genetics (formerly Invitae), Labcorp
Classification: Likely benign for Hereditary sensory neuropathy-deafness-dementia syndrome. Last evaluated: 2026-02-03. Review status: criteria provided, single submitter. Criteria: Invitae Variant Classification Sherloc (09022015). Collection method: clinical testing. Allele origin: germline.

Women's Health and Genetics/Laboratory Corporation of America, LabCorp
Classification: Benign. Last evaluated: 2025-11-24. Review status: criteria provided, single submitter. Criteria: LabCorp Variant Classification Summary - May 2015. Collection method: clinical testing. Allele origin: germline.
Comment: Variant summary: DNMT1 c.3807-14C>T alters a nucleotide located at a position not widely known to affect splicing. Consensus agreement among computation tools predict no significant impact on normal splicing. However, these predictions have yet to be confirmed by functional studies. The variant allele was found at a frequency of 0.00035 in 175538 control chromosomes, predominantly at a frequency of 0.0007 within the Latino subpopulation in the gnomAD database. The observed variant frequency within Latino control individuals in the gnomAD database exceeds the estimated maximal expected allele frequency for disease-causing variants in DNMT1. To our knowledge, no occurrence of c.3807-14C>T in individuals affected with DNMT1-related conditions and no experimental evidence demonstrating its impact on protein function have been reported. ClinVar contains an entry for this variant (Variation ID: 379603). Based on the evidence outlined above, the variant was classified as benign.

Blueprint Genetics
Classification: Likely benign. Last evaluated: 2024-10-09. Review status: criteria provided, single submitter. Criteria: ACMG Guidelines, 2015. Collection method: clinical testing. Allele origin: germline.

ARUP Laboratories, Molecular Genetics and Genomics, ARUP Laboratories
Classification: Likely benign. Last evaluated: 2020-04-27. Review status: criteria provided, single submitter. Criteria: ARUP Molecular Germline Variant Investigation Process. Collection method: clinical testing. Allele origin: germline.

GeneDx
Classification: Likely benign. Last evaluated: 2018-02-05. Review status: criteria provided, single submitter. Criteria: GeneDx Variant Classification (06012015). Collection method: clinical testing. Allele origin: germline. Affected: yes.
Comment: This variant is considered likely benign or benign based on one or more of the following criteria: it is a conservative change, it occurs at a poorly conserved position in the protein, it is predicted to be benign by multiple in silico algorithms, and/or has population frequency not consistent with disease.

NM_001130823.3(DNMT1):c.3807-14C>T

Gene: DNMT1 (DNA methyltransferase 1; minus strand). Cytogenetic location: 19p13.2.
Variant type: single nucleotide variant.
Coding change: c.3807-14C>T on transcript NM_001130823.3 (MANE Select); 14 bases into the intron before coding-DNA position 3807, C replaced by T.
Molecular consequence: intron variant.
Genome position (GRCh38, 1-based): chr19:10,139,831, G>A on the plus strand (C>T on the coding strand, the complement: DNMT1 is on the minus strand). VCF-style: chr19-10139831-G-A. GRCh37 (hg19) VCF-style: chr19-10250507-G-A.
Other names: c.3807-14C>T (LRG_362t1); c.3444-14C>T (NM_001318731.2); c.3759-14C>T (NM_001379.4, NM_001318730.2).
Identifiers: ClinVar variation 379603 (VCV000379603.19), dbSNP rs371376513, ClinGen allele CA9187662.
Genomic context (GRCh38, chr19:10,139,831, plus strand): 5'-TGACATTCTCCAGGAGGAAGAACCGGGGCCGGTAGTAGTCGCAGTAGCTGTAGGGGGCAG[G>A]AGAGACTGCAGGAGTCACCTCCACAGACAGAGGGAAGAAACGACCCACTGTGCCGGAAGC-3'